The following is an entry in ClinVar:

NM_177438.3(DICER1):c.470A>G (p.Asn157Ser)

Gene: DICER1 (dicer 1, ribonuclease III; minus strand). Cytogenetic location: 14q32.13.
Variant type: single nucleotide variant.
Coding change: c.470A>G on transcript NM_177438.3 (MANE Select); coding-DNA position 470, A replaced by G.
Protein change: p.Asn157Ser; replaces asparagine 157 with serine.
Molecular consequence: missense variant.
Genome position (GRCh38, 1-based): chr14:95,130,161, T>C on the plus strand (A>G on the coding strand, the complement: DICER1 is on the minus strand). VCF-style: chr14-95130161-T-C. GRCh37 (hg19) VCF-style: chr14-95596498-T-C.
Other names: c.470A>G, p.Asn157Ser (NM_001195573.1, NM_001271282.3, NM_001291628.2 and 1 more transcripts); short protein forms N157S.
Identifiers: ClinVar variation 1026161 (VCV001026161.13), dbSNP rs1893833599, ClinGen allele CA390888549.
Genomic context (GRCh38, chr14:95,130,161, plus strand): 5'-CACTCATCAAACACCAAAAGGTTAATGTCTGACAGTGATAAGTAACCATTTTTCAAAACA[T>C]TCAAGGCGACATAGCAAGTCATAATGAGAACCTAAAATAAAATCAACATCAGTAAACAAA-3'
Protein context (NP_803187.1, residues 147-167): VLIMTCYVAL[Asn157Ser]VLKNGYLSLS

ClinVar aggregate classification (germline): Conflicting classifications of pathogenicity. Review status: criteria provided, conflicting classifications (1 of 4 stars). 2 submissions from 2 submitters: Uncertain significance (1); Likely benign (1). Last evaluated 2025-04-21.

Conditions:
DICER1-related tumor predisposition. Also called: DICER1 syndrome; DICER1-related pleuropulmonary blastoma cancer predisposition syndrome. Identifiers: Orphanet 284343, MedGen C3839822, MONDO:0100216.
Hereditary cancer-predisposing syndrome. Also called: Hereditary neoplastic syndrome; Neoplastic Syndromes, Hereditary; Tumor predisposition; Hereditary Cancer Syndrome. Identifiers: Orphanet 140162, MedGen C0027672, MeSH D009386, MONDO:0015356.

Allele frequency attached by ClinVar (database versions not stated): gnomAD exomes below 0.00001.
gnomAD v4.1: 1 of 1,613,270 alleles (0.000062%); highest among the groups gnomAD compares: Non-Finnish European, 0.000085%; no homozygotes.

Submissions (2):

Labcorp Genetics (formerly Invitae), Labcorp
Classification: Uncertain significance for DICER1-related tumor predisposition. Last evaluated: 2025-04-21. Review status: criteria provided, single submitter. Criteria: Invitae Variant Classification Sherloc (09022015). Collection method: clinical testing. Allele origin: germline.
Comment: This sequence change replaces asparagine, which is neutral and polar, with serine, which is neutral and polar, at codon 157 of the DICER1 protein (p.Asn157Ser). This variant is not present in population databases (gnomAD no frequency). This variant has not been reported in the literature in individuals affected with DICER1-related conditions. ClinVar contains an entry for this variant (Variation ID: 1026161). Invitae Evidence Modeling of protein sequence and biophysical properties (such as structural, functional, and spatial information, amino acid conservation, physicochemical variation, residue mobility, and thermodynamic stability) indicates that this missense variant is not expected to disrupt DICER1 protein function with a negative predictive value of 95%. In summary, the available evidence is currently insufficient to determine the role of this variant in disease. Therefore, it has been classified as a Variant of Uncertain Significance.

Ambry Genetics
Classification: Likely benign for Hereditary cancer-predisposing syndrome. Last evaluated: 2024-07-15. Review status: criteria provided, single submitter. Criteria: Ambry Variant Classification Scheme 2023. Collection method: clinical testing. Allele origin: germline.